The following is an entry in ClinVar:

NM_001356.5(DDX3X):c.721C>T (p.Gln241Ter)

Gene: DDX3X (DEAD-box helicase 3 X-linked; plus strand). Cytogenetic location: Xp11.4.
Variant type: single nucleotide variant.
Coding change: c.721C>T on transcript NM_001356.5 (MANE Select); coding-DNA position 721, C replaced by T.
Protein change: p.Gln241Ter; replaces glutamine 241 with a stop codon.
Molecular consequence: nonsense. On other transcripts: non-coding transcript variant (1).
Genome position (GRCh38, 1-based): chrX:41,343,778, C>T. VCF-style: chrX-41343778-C-T. GRCh37 (hg19) VCF-style: chrX-41203031-C-T.
Other names: c.721C>T, p.Gln241Ter (NM_001193416.3); c.673C>T, p.Gln225Ter (NM_001193417.3); c.163C>T, p.Gln55Ter (NM_001363819.1); short protein forms Q241*, Q55*, Q225*.
Identifiers: ClinVar variation 1757762 (VCV001757762.2), dbSNP rs759442213, ClinGen allele CA412769543.

ClinVar aggregate classification (germline): Pathogenic (1 of 4 stars; one submission).

Conditions:
Inborn genetic diseases. Identifiers: MedGen C0950123, MeSH D030342.

Submission:

Ambry Genetics
Classification: Pathogenic for Inborn genetic diseases. Last evaluated: 2019-04-02. Review status: criteria provided, single submitter. Criteria: Ambry Variant Classification Scheme 2023. Collection method: clinical testing. Allele origin: germline.
Comment: The p.Q241* pathogenic mutation (also known as c.721C>T), located in coding exon 8 of the DDX3X gene, results from a C to T substitution at nucleotide position 721. This changes the amino acid from a glutamine to a stop codon within coding exon 8. This alteration is expected to result in loss of function by premature protein truncation or nonsense-mediated mRNA decay. As such, this alteration is interpreted as a disease-causing mutation.